The following is an entry in ClinVar:

NM_003073.5(SMARCB1):c.946C>G (p.Arg316Gly)

Gene: SMARCB1 (SWI/SNF related BAF chromatin remodeling complex subunit B1; plus strand). Cytogenetic location: 22q11.23.
Variant type: single nucleotide variant.
Coding change: c.946C>G on transcript NM_003073.5 (MANE Select); coding-DNA position 946, C replaced by G.
Protein change: p.Arg316Gly; replaces arginine 316 with glycine.
Molecular consequence: missense variant.
Genome position (GRCh38, 1-based): chr22:23,825,375, C>G. VCF-style: chr22-23825375-C-G. GRCh37 (hg19) VCF-style: chr22-24167562-C-G.
Other names: c.919C>G, p.Arg307Gly (NM_001007468.3); c.973C>G, p.Arg325Gly (NM_001317946.2); c.1000C>G, p.Arg334Gly (NM_001362877.2); short protein forms R316G, R325G, R334G, R307G.
Identifiers: ClinVar variation 2728487 (VCV002728487.3), dbSNP rs769023941, ClinGen allele CA410907775.

ClinVar aggregate classification (germline): Uncertain significance (1 of 4 stars; one submission).

gnomAD v4.1: 1 of 1,614,072 alleles (0.000062%); highest among the groups gnomAD compares: Non-Finnish European, 0.000085%; no homozygotes.

Submission:

Labcorp Genetics (formerly Invitae), Labcorp
Classification: Uncertain significance. Last evaluated: 2023-05-11. Review status: criteria provided, single submitter. Criteria: Invitae Variant Classification Sherloc (09022015). Collection method: clinical testing. Allele origin: germline.
Comment: This sequence change replaces arginine, which is basic and polar, with glycine, which is neutral and non-polar, at codon 316 of the SMARCB1 protein (p.Arg316Gly). This variant is not present in population databases (gnomAD no frequency). This variant has not been reported in the literature in individuals affected with SMARCB1-related conditions. Advanced modeling of protein sequence and biophysical properties (such as structural, functional, and spatial information, amino acid conservation, physicochemical variation, residue mobility, and thermodynamic stability) performed at Invitae indicates that this missense variant is expected to disrupt SMARCB1 protein function. In summary, the available evidence is currently insufficient to determine the role of this variant in disease. Therefore, it has been classified as a Variant of Uncertain Significance.